The following is an entry in ClinVar:

ClinVar aggregate classification (germline): Uncertain significance (1 of 4 stars; one submission).

Submission:

GeneDx
Classification: Uncertain significance. Last evaluated: 2017-04-18. Review status: criteria provided, single submitter. Criteria: GeneDx Variant Classification (06012015). Collection method: clinical testing. Allele origin: germline. Affected: yes.
Comment: A variant of uncertain significance has been identified in the ALMS1 gene. The E1017A variant has not been published as pathogenic or been reported as benign to our knowledge. This variant is not observed in large population cohorts (Lek et al., 2016; 1000 Genomes Consortium et al., 2015; Exome Variant Server). The E1017A variant is a non-conservative amino acid substitution, which is likely to impact secondary protein structure as these residues differ in polarity, charge, size and/or other properties. However, this substitution occurs at a position that is not conserved across species and where alanine is present as the wild type in several species. Finally, in silico analysis predicts this variant likely does not alter the protein structure/function.

NM_001378454.1(ALMS1):c.3047A>C (p.Glu1016Ala)

Gene: ALMS1 (ALMS1 centrosome and basal body associated protein; plus strand). Cytogenetic location: 2p13.1.
Variant type: single nucleotide variant.
Coding change: c.3047A>C on transcript NM_001378454.1 (MANE Select); coding-DNA position 3047, A replaced by C.
Protein change: p.Glu1016Ala; replaces glutamic acid 1016 with alanine.
Molecular consequence: missense variant.
Genome position (GRCh38, 1-based): chr2:73,449,574, A>C. VCF-style: chr2-73449574-A-C. GRCh37 (hg19) VCF-style: chr2-73676701-A-C.
Other names: c.3050A>C, p.Glu1017Ala (NM_015120.4); short protein forms E1017A, E1016A.
Identifiers: ClinVar variation 426391 (VCV000426391.2), dbSNP rs1085307601, ClinGen allele CA347273581.